The following is an entry in ClinVar:

ClinVar aggregate classification (germline): Pathogenic. Review status: criteria provided, multiple submitters, no conflicts (2 of 4 stars). 2 submissions from 2 submitters: Pathogenic (2). Last evaluated 2024-06-07.

Conditions:
Mucopolysaccharidosis, MPS-II (MPS2). Also called: Hunter Syndrome; IDURONATE 2-SULFATASE DEFICIENCY; Mucopolysaccharidosis Type II; Mucopolysaccharidosis type 2; Attenuated MPS (subtype; formerly known as mild MPS II); Severe MPS II. Identifiers: Orphanet 580, Orphanet 79388, MedGen C0026705, MONDO:0010674, OMIM 309900.

Submissions (2):

Laboratory of Diagnosis and Therapy of Lysosomal Disorders, University of Padova
Classification: Pathogenic for Mucopolysaccharidosis, MPS-II. Last evaluated: 2024-06-07. Review status: criteria provided, single submitter. Criteria: ACMG Guidelines, 2015. Collection method: literature only. Allele origin: germline. Affected: yes. Observed: 3 variant alleles.
Comment: Null variant (PVS1_Strong), Absent from controls (or at low frequency) in gnomAD database (PM2_Moderate), Patient’s phenotype or family history highly specific for the disease (PP4_Strong)

Classification method: ACMG Guidelines [PMID:25741868] with modifications

Gansu Provincial Maternity and Child Care Hospital
Classification: Pathogenic for Mucopolysaccharidosis, MPS-II. Review status: criteria provided, single submitter. Criteria: ACMG Guidelines, 2015. Collection method: clinical testing. Allele origin: maternal. Affected: yes.
Comment: The variant is absent from population databases, including gnomAD, with no reported allele frequency (PM2-Supporting). This sequence change introduces a premature translational stop codon (p.Gln474Ter) in the IDS gene. Although this variant is not predicted to result in nonsense-mediated mRNA decay, it is expected to truncate the C-terminal 77 amino acids of the IDS protein, which is consistent with a loss-of-function effect (PVS1-Strong). Functional validation using IDS enzyme activity assays demonstrated complete enzyme deficiency in the affected individual, supporting a damaging effect on protein function (PP4). For these reasons, this variant is classified as pathogenic.

Literature cited by the submitters: PubMed 9452044 (cited by Laboratory of Diagnosis and Therapy of Lysosomal Disorders, University of Padova); PubMed 8940265 (cited by Laboratory of Diagnosis and Therapy of Lysosomal Disorders, University of Padova); PubMed 21291454 (cited by Laboratory of Diagnosis and Therapy of Lysosomal Disorders, University of Padova).

NM_000202.8(IDS):c.1420C>T (p.Gln474Ter)

Gene: IDS (iduronate 2-sulfatase; minus strand). Cytogenetic location: Xq28.
Variant type: single nucleotide variant.
Coding change: c.1420C>T on transcript NM_000202.8 (MANE Select); coding-DNA position 1420, C replaced by T.
Protein change: p.Gln474Ter; replaces glutamine 474 with a stop codon.
Molecular consequence: nonsense.
Genome position (GRCh38, 1-based): chrX:149,482,979, G>A on the plus strand (C>T on the coding strand, the complement: IDS is on the minus strand). VCF-style: chrX-149482979-G-A. GRCh37 (hg19) VCF-style: chrX-148564510-G-A.
Other names: c.1150C>T, p.Gln384Ter (NM_001166550.4); short protein forms Q384*, Q474*.
Identifiers: ClinVar variation 3256052 (VCV003256052.3).
Genomic context (GRCh38, chrX:149,482,979, plus strand): 5'-TGCGTATGGAATAGCCCATGATCTTTATATCTTTTAAACTCGGCTTGTCAGAATTCCACT[G>A]AGGGATGTCTGAAGGCCGGGGATACTGGCTATAGGCAATCAGTTCACGGGGATTACCAGG-3'